The following is an entry in ClinVar:

NM_003128.3(SPTBN1):c.4718dup (p.Trp1574fs)

Gene: SPTBN1 (spectrin beta, non-erythrocytic 1; plus strand). Cytogenetic location: 2p16.2.
Variant type: Duplication.
Coding change: c.4718dup on transcript NM_003128.3 (MANE Select); coding-DNA position 4718, one base duplicated (T; older notation c.4718dupT).
Protein change: p.Trp1574fs; shifts the reading frame from tryptophan 1574.
Molecular consequence: frameshift variant.
Genome position (GRCh38, 1-based): chr2:54,646,327, T duplicated. VCF-style (leftmost placement, unchanged base first): chr2-54646326-C-CT. GRCh37 (hg19) VCF-style: chr2-54873463-C-CT.
Other names: c.4679dup, p.Trp1561fs (NM_178313.3); short protein forms W1561fs, W1574fs.
Identifiers: ClinVar variation 1699089 (VCV001699089.3), dbSNP rs2104068395, ClinGen allele CA2573050739.

ClinVar aggregate classification (germline): Pathogenic (1 of 4 stars; one submission).

Conditions:
Neurodevelopmental disorder. Identifiers: MedGen C1535926, MeSH D065886, MONDO:0700092.

Submission:

Victorian Clinical Genetics Services, Murdoch Childrens Research Institute
Classification: Pathogenic for Neurodevelopmental disorder. Last evaluated: 2022-02-02. Review status: criteria provided, single submitter. Criteria: ACMG Guidelines, 2015. Collection method: clinical testing. Allele origin: germline. Inheritance: Autosomal dominant inheritance.
Comment: Based on the classification scheme VCGS_Germline_v1.3.4, this variant is classified as Pathogenic. Following criteria are met: 0102 - Loss of function is a likely mechanism of disease in this gene and is associated with devlopmental delay, impaired speech, and behavioral abnormalities (MIM#619475) (PMIDs: 34211179, 33847457). (I) 0107 - This gene is associated with autosomal dominant disease. (I) 0201 - Variant is predicted to cause nonsense-mediated decay (NMD) and loss of protein (premature termination codon is located at least 54 nucleotides upstream of the final exon-exon junction). (SP) 0251 - This variant is heterozygous. (I) 0301 - Variant is absent from gnomAD (both v2 and v3). (SP) 0702 - Other NMD predicted variants comparable to the one identified in this case have strong previous evidence for pathogenicity (PMIDs: 34211179, 33847457). (SP) 0807 - This variant has no previous evidence of pathogenicity. (I) 0905 - No published segregation evidence has been identified for this variant. (I) 1007 - No published functional evidence has been identified for this variant. (SP) Legend: (SP) - Supporting pathogenic, (I) - Information, (SB) - Supporting benign

Literature cited by the submitters: PubMed 33847457; PubMed 34211179.